The following is an entry in ClinVar:

ClinVar aggregate classification (germline): Pathogenic. Review status: criteria provided, multiple submitters, no conflicts (2 of 4 stars). 8 submissions from 8 submitters: Pathogenic (4). 4 of the submissions do not count toward it. Last evaluated 2024-12-09.

Conditions:
Neurodevelopmental abnormality. Identifiers: MedGen C4022737, HP:0012759.
Chromosome 2q32-q33 deletion syndrome (GLASS). Also called: Glass syndrome; 2q33.1 deletion syndrome. Identifiers: Orphanet 251019, MedGen C2676739, MONDO:0012864, OMIM 612313.

Submissions (8):

Clinical Genetics Laboratory, Skane University Hospital Lund
Classification: Pathogenic for Neurodevelopmental abnormality. Last evaluated: 2024-12-09. Review status: criteria provided, single submitter. Criteria: ACMG Guidelines, 2015. Collection method: clinical testing. Allele origin: de novo. Inheritance: Autosomal dominant inheritance. Affected: yes.
Comment: ACMG criteria used: PS2, PS4, PM2

Labcorp Genetics (formerly Invitae), Labcorp
Classification: Pathogenic for Chromosome 2q32-q33 deletion syndrome. Last evaluated: 2024-10-22. Review status: criteria provided, single submitter. Criteria: Invitae Variant Classification Sherloc (09022015). Collection method: clinical testing. Allele origin: germline.
Comment: This sequence change creates a premature translational stop signal (p.Arg429*) in the SATB2 gene. It is expected to result in an absent or disrupted protein product. Loss-of-function variants in SATB2 are known to be pathogenic (PMID: 25885067). This variant is not present in population databases (gnomAD no frequency). This premature translational stop signal has been observed in individual(s) with clinical features of Glass syndrome (PMID: 28151491). In at least one individual the variant was observed to be de novo. ClinVar contains an entry for this variant (Variation ID: 280687). For these reasons, this variant has been classified as Pathogenic.

GeneDx
Classification: Pathogenic. Last evaluated: 2022-03-31. Review status: criteria provided, single submitter. Criteria: GeneDx Variant Classification Process June 2021. Collection method: clinical testing. Allele origin: germline. Affected: yes.
Comment: Not observed in large population cohorts (gnomAD); Nonsense variant predicted to result in nonsense mediated decay in a gene for which loss-of-function is a known mechanism of disease; This variant is associated with the following publications: (PMID: 29436146, 31021519, 28151491, 29739092, 32765914, 32446642)

Fulgent Genetics
Classification: Pathogenic for Chromosome 2q32-q33 deletion syndrome. Last evaluated: 2021-07-06. Review status: criteria provided, single submitter. Criteria: ACMG Guidelines, 2015. Collection method: clinical testing. Allele origin: unknown.

Clinical Genetics Laboratory, University Hospital Schleswig-Holstein
Classification: Pathogenic for Chromosome 2q32-q33 deletion syndrome. Last evaluated: 2022-07-01. Review status: no assertion criteria provided. Collection method: clinical testing. Allele origin: germline. Affected: yes. Not counted in ClinVar's aggregate classification.

Pediatric Genetics Clinic, Sheba Medical Center
Classification: Pathogenic for Chromosome 2q32-q33 deletion syndrome. Last evaluated: 2021-05-13. Review status: no assertion criteria provided. Collection method: clinical testing. Allele origin: de novo. Affected: yes. Observed: 1 heterozygote. Not counted in ClinVar's aggregate classification.

Clinical Genetics DNA and cytogenetics Diagnostics Lab, Erasmus MC, Erasmus Medical Center
Classification: Pathogenic. Review status: no assertion criteria provided. Collection method: clinical testing. Allele origin: germline. Affected: yes. Study: VKGL Data-share Consensus. Not counted in ClinVar's aggregate classification.

Genome Diagnostics Laboratory, Amsterdam University Medical Center
Classification: Pathogenic. Review status: no assertion criteria provided. Collection method: clinical testing. Allele origin: germline. Affected: yes. Study: VKGL Data-share Consensus. Not counted in ClinVar's aggregate classification.

Literature cited by the submitters: PubMed 25885067 (cited by Labcorp Genetics (formerly Invitae), Labcorp); PubMed 28151491 (cited by Labcorp Genetics (formerly Invitae), Labcorp).

NM_001172509.2(SATB2):c.1285C>T (p.Arg429Ter)

Gene: SATB2 (SATB homeobox 2; minus strand). Cytogenetic location: 2q33.1.
Variant type: single nucleotide variant.
Coding change: c.1285C>T on transcript NM_001172509.2 (MANE Select); coding-DNA position 1285, C replaced by T.
Protein change: p.Arg429Ter; replaces arginine 429 with a stop codon.
Molecular consequence: nonsense.
Genome position (GRCh38, 1-based): chr2:199,328,799, G>A on the plus strand (C>T on the coding strand, the complement: SATB2 is on the minus strand). VCF-style: chr2-199328799-G-A. GRCh37 (hg19) VCF-style: chr2-200193522-G-A.
Other names: c.1285C>T, p.Arg429Ter (NM_001172517.1, NM_015265.4); short protein forms R429*.
Identifiers: ClinVar variation 280687 (VCV000280687.22), dbSNP rs886041847, ClinGen allele CA10602834.